The following is an entry in ClinVar:

ClinVar aggregate classification (germline): Uncertain significance. Review status: criteria provided, multiple submitters, no conflicts (2 of 4 stars). 4 submissions from 4 submitters: Uncertain significance (2). 2 of the submissions do not count toward it. Last evaluated 2024-07-20.

Conditions:
Arrhythmogenic right ventricular dysplasia 11. Also called: Arrhythmogenic Right Ventricular Dysplasia/Cardiomyopathy11; ARRHYTHMOGENIC RIGHT VENTRICULAR DYSPLASIA, FAMILIAL, 11; Arrhythmogenic right ventricular dysplasia 11 with mild palmoplantar keratoderma and woolly hair. Identifiers: MedGen C1864850, MONDO:0012506, OMIM 610476.
Familial isolated arrhythmogenic right ventricular dysplasia. Identifiers: Orphanet 217656, MedGen C4274968, MONDO:0016342.

Allele frequency attached by ClinVar (database versions not stated): gnomAD exomes below 0.00001.
gnomAD v4.1: 2 of 1,614,018 alleles (0.00012%); highest among the groups gnomAD compares: Non-Finnish European, 0.00017%; no homozygotes.

Submissions (4):

All of Us Research Program, National Institutes of Health
Classification: Uncertain significance for Familial isolated arrhythmogenic right ventricular dysplasia. Last evaluated: 2024-07-20. Review status: criteria provided, single submitter. Criteria: ACMG Guidelines, 2015. Collection method: clinical testing. Allele origin: germline. Inheritance: Autosomal dominant inheritance. Observed: 1 variant allele, 1 heterozygote.
Comment: This missense variant replaces alanine with threonine at codon 441 of the DSC2 protein. Computational prediction suggests that this variant may not impact protein structure and function (internally defined REVEL score threshold <= 0.5, PMID: 27666373). To our knowledge, functional studies have not been reported for this variant. This variant has been reported in an individual affected with dilated cardiomyopathy (PMID: 32880476). This variant has not been identified in the general population by the Genome Aggregation Database (gnomAD). The available evidence is insufficient to determine the role of this variant in disease conclusively. Therefore, this variant is classified as a Variant of Uncertain Significance.

This study involves interpretation of variants in research participants for the purpose of population health screening. Participant phenotype was not available at the time of variant classification. Additional details can be found in publication PMID: 35346344, PMCID: PMC8962531

Labcorp Genetics (formerly Invitae), Labcorp
Classification: Uncertain significance for Arrhythmogenic right ventricular dysplasia 11. Last evaluated: 2023-02-14. Review status: criteria provided, single submitter. Criteria: Invitae Variant Classification Sherloc (09022015). Collection method: clinical testing. Allele origin: germline.
Comment: This sequence change replaces alanine, which is neutral and non-polar, with threonine, which is neutral and polar, at codon 441 of the DSC2 protein (p.Ala441Thr). In summary, the available evidence is currently insufficient to determine the role of this variant in disease. Therefore, it has been classified as a Variant of Uncertain Significance. Algorithms developed to predict the effect of sequence changes on RNA splicing suggest that this variant may create or strengthen a splice site. Advanced modeling of protein sequence and biophysical properties (such as structural, functional, and spatial information, amino acid conservation, physicochemical variation, residue mobility, and thermodynamic stability) performed at Invitae indicates that this missense variant is expected to disrupt DSC2 protein function. ClinVar contains an entry for this variant (Variation ID: 1174924). This missense change has been observed in individual(s) with DSC2-related conditions (PMID: 32880476). This variant is not present in population databases (gnomAD no frequency).

Diagnostic Laboratory, Department of Genetics, University Medical Center Groningen
Classification: Uncertain significance. Review status: no assertion criteria provided. Collection method: clinical testing. Allele origin: germline. Affected: yes. Study: VKGL Data-share Consensus. Not counted in ClinVar's aggregate classification.

Joint Genome Diagnostic Labs from Nijmegen and Maastricht, Radboudumc and MUMC+
Classification: Uncertain significance. Review status: no assertion criteria provided. Collection method: clinical testing. Allele origin: germline. Affected: yes. Study: VKGL Data-share Consensus. Not counted in ClinVar's aggregate classification.

Literature cited by the submitters: PubMed 32880476 (cited by All of Us Research Program, National Institutes of Health and Labcorp Genetics (formerly Invitae), Labcorp).

NM_024422.6(DSC2):c.1321G>A (p.Ala441Thr)

Gene: DSC2 (desmocollin 2; minus strand). Cytogenetic location: 18q12.1.
Variant type: single nucleotide variant.
Coding change: c.1321G>A on transcript NM_024422.6 (MANE Select); coding-DNA position 1321, G replaced by A.
Protein change: p.Ala441Thr; replaces alanine 441 with threonine.
Molecular consequence: missense variant.
Genome position (GRCh38, 1-based): chr18:31,080,295, C>T on the plus strand (G>A on the coding strand, the complement: DSC2 is on the minus strand). VCF-style: chr18-31080295-C-T. GRCh37 (hg19) VCF-style: chr18-28660261-C-T.
Other names: c.1321G>A, p.Ala441Thr (NM_004949.5); short protein forms A441T.
Identifiers: ClinVar variation 1174924 (VCV001174924.9), dbSNP rs2144814171, ClinGen allele CA402108798.